The following is an entry in ClinVar:

ClinVar aggregate classification (germline): Uncertain significance (1 of 4 stars; one submission).

Conditions:
Werner syndrome (WRN). Identifiers: Orphanet 902, MedGen C0043119, MONDO:0010196, OMIM 277700.

gnomAD v4.1: 8 of 1,614,040 alleles (0.0005%); highest among the groups gnomAD compares: Non-Finnish European, 0.00068%; no homozygotes.

Submission:

Labcorp Genetics (formerly Invitae), Labcorp
Classification: Uncertain significance for Werner syndrome. Last evaluated: 2023-07-25. Review status: criteria provided, single submitter. Criteria: Invitae Variant Classification Sherloc (09022015). Collection method: clinical testing. Allele origin: germline.
Comment: This sequence change replaces histidine, which is basic and polar, with proline, which is neutral and non-polar, at codon 795 of the WRN protein (p.His795Pro). This variant is not present in population databases (gnomAD no frequency). This variant has not been reported in the literature in individuals affected with WRN-related conditions. ClinVar contains an entry for this variant (Variation ID: 935265). An algorithm developed to predict the effect of missense changes on protein structure and function (PolyPhen-2) suggests that this variant is likely to be disruptive. In summary, the available evidence is currently insufficient to determine the role of this variant in disease. Therefore, it has been classified as a Variant of Uncertain Significance.

NM_000553.6(WRN):c.2384A>C (p.His795Pro)

Gene: WRN (WRN RecQ like helicase; plus strand). Cytogenetic location: 8p12.
Variant type: single nucleotide variant.
Coding change: c.2384A>C on transcript NM_000553.6 (MANE Select); coding-DNA position 2384, A replaced by C.
Protein change: p.His795Pro; replaces histidine 795 with proline.
Molecular consequence: missense variant.
Genome position (GRCh38, 1-based): chr8:31,116,464, A>C. VCF-style: chr8-31116464-A-C. GRCh37 (hg19) VCF-style: chr8-30973980-A-C.
Other names: short protein forms H795P.
Identifiers: ClinVar variation 935265 (VCV000935265.5), dbSNP rs1563360963, ClinGen allele CA370913751.